The following is an entry in ClinVar:

ClinVar aggregate classification (germline): Uncertain significance (1 of 4 stars; one submission).

Submission:

CeGaT Center for Human Genetics Tuebingen
Classification: Uncertain significance. Last evaluated: 2024-04-01. Review status: criteria provided, single submitter. Criteria: CeGaT Center For Human Genetics Tuebingen Variant Classification Criteria Version 2. Collection method: clinical testing. Allele origin: germline. Affected: yes. Observed: 1 variant allele.
Comment: CACNA1I: PM2, BP1

NM_021096.4(CACNA1I):c.2570del (p.Leu857fs)

Gene: CACNA1I (calcium voltage-gated channel subunit alpha1 I; plus strand). Cytogenetic location: 22q13.1.
Variant type: Deletion.
Coding change: c.2570del on transcript NM_021096.4 (MANE Select); coding-DNA position 2570, one base deleted (T; older notation c.2570delT).
Protein change: p.Leu857fs; shifts the reading frame from leucine 857.
Molecular consequence: frameshift variant.
Genome position (GRCh38, 1-based): chr22:39,659,818, T deleted. VCF-style (leftmost placement, unchanged base first): chr22-39659817-CT-C. GRCh37 (hg19) VCF-style: chr22-40055822-CT-C.
Other names: c.2465del, p.Leu822fs (NM_001003406.2); short protein forms L822fs, L857fs.
Identifiers: ClinVar variation 3234671 (VCV003234671.20), dbSNP rs2518160239, ClinGen allele CA2825002887.